The following is an entry in ClinVar:

NM_001364905.1(LRBA):c.6046+1914G>T

Gene: LRBA (LPS responsive beige-like anchor protein; minus strand). Cytogenetic location: 4q31.3.
Variant type: single nucleotide variant.
Coding change: c.6046+1914G>T on transcript NM_001364905.1 (MANE Select); 1914 bases into the intron after coding-DNA position 6046, G replaced by T.
Molecular consequence: intron variant. On other transcripts: missense variant (2).
Genome position (GRCh38, 1-based): chr4:150,597,093, C>A on the plus strand (G>T on the coding strand, the complement: LRBA is on the minus strand). VCF-style: chr4-150597093-C-A. GRCh37 (hg19) VCF-style: chr4-151518245-C-A.
Other names: c.6069G>T, p.Glu2023Asp (NM_001440430.1, NM_006726.5); c.6046+1914G>T (NM_001367550.1, NM_001199282.3, NM_001440431.1); short protein forms E2023D.
Identifiers: ClinVar variation 1520290 (VCV001520290.8), dbSNP rs752847944, ClinGen allele CA3102252.

ClinVar aggregate classification (germline): Uncertain significance (1 of 4 stars; one submission).

Conditions:
Combined immunodeficiency due to LRBA deficiency. Also called: Common variable immunodeficiency 8, with autoimmunity. Identifiers: Orphanet 445018, MedGen C3553512, MONDO:0013863, OMIM 614700.

Allele frequency attached by ClinVar (database versions not stated): gnomAD exomes below 0.00001 and 0.00001; ExAC 0.00001.
gnomAD v4.1: 10 of 1,397,380 alleles (0.00072%); highest among the groups gnomAD compares: Non-Finnish European, 0.00099%; no homozygotes.

Submission:

Labcorp Genetics (formerly Invitae), Labcorp
Classification: Uncertain significance for Combined immunodeficiency due to LRBA deficiency. Last evaluated: 2022-03-03. Review status: criteria provided, single submitter. Criteria: Invitae Variant Classification Sherloc (09022015). Collection method: clinical testing. Allele origin: germline.
Comment: In summary, the available evidence is currently insufficient to determine the role of this variant in disease. Therefore, it has been classified as a Variant of Uncertain Significance. Algorithms developed to predict the effect of missense changes on protein structure and function (SIFT, PolyPhen-2, Align-GVGD) all suggest that this variant is likely to be tolerated. This variant has not been reported in the literature in individuals affected with LRBA-related conditions. This variant is present in population databases (rs752847944, gnomAD 0.001%). This sequence change replaces glutamic acid, which is acidic and polar, with aspartic acid, which is acidic and polar, at codon 2023 of the LRBA protein (p.Glu2023Asp).